The following is an entry in ClinVar:

ClinVar aggregate classification (germline): Uncertain significance (1 of 4 stars; one submission).

Submission:

GeneDx
Classification: Uncertain significance. Last evaluated: 2022-02-15. Review status: criteria provided, single submitter. Criteria: GeneDx Variant Classification Process June 2021. Collection method: clinical testing. Allele origin: germline. Affected: yes.
Comment: Not observed at significant frequency in large population cohorts (gnomAD); In silico analysis supports that this missense variant does not alter protein structure/function; Has not been previously published as pathogenic or benign to our knowledge

NM_014415.4(ZBTB11):c.13G>A (p.Glu5Lys)

Genes: ZBTB11 (zinc finger and BTB domain containing 11; minus strand), ZBTB11-AS1 (ZBTB11 antisense RNA 1; plus strand). Cytogenetic location: 3q12.3.
Variant type: single nucleotide variant.
Coding change: c.13G>A on transcript NM_014415.4 (MANE Select); coding-DNA position 13, G replaced by A.
Protein change: p.Glu5Lys; replaces glutamic acid 5 with lysine.
Molecular consequence: missense variant. On other transcripts: non-coding transcript variant (1).
Genome position (GRCh38, 1-based): chr3:101,676,902, C>T on the plus strand (G>A on the coding strand, the complement: ZBTB11 is on the minus strand). VCF-style: chr3-101676902-C-T. GRCh37 (hg19) VCF-style: chr3-101395746-C-T.
Other names: short protein forms E5K.
Identifiers: ClinVar variation 1700837 (VCV001700837.2), dbSNP rs2108331811, ClinGen allele CA353885405.